The following is an entry in ClinVar:

NM_000038.6(APC):c.2303A>C (p.His768Pro)

Gene: APC (APC regulator of Wnt signaling pathway; plus strand). Cytogenetic location: 5q22.2.
Variant type: single nucleotide variant.
Coding change: c.2303A>C on transcript NM_000038.6 (MANE Select); coding-DNA position 2303, A replaced by C.
Protein change: p.His768Pro; replaces histidine 768 with proline.
Molecular consequence: missense variant.
Genome position (GRCh38, 1-based): chr5:112,837,897, A>C. VCF-style: chr5-112837897-A-C. GRCh37 (hg19) VCF-style: chr5-112173594-A-C.
Other names: c.2303A>C, p.His768Pro (NM_001127510.3, NM_001354895.2); c.2249A>C, p.His750Pro (NM_001127511.3); c.2357A>C, p.His786Pro (NM_001354896.2); c.2333A>C, p.His778Pro (NM_001354897.2); c.2228A>C, p.His743Pro (NM_001354898.2); c.2219A>C, p.His740Pro (NM_001354899.2); c.2180A>C, p.His727Pro (NM_001354900.2); c.2126A>C, p.His709Pro (NM_001354901.2); and 5 more; short protein forms H750P, H768P, H642P, H740P, H743P, H786P, H485P, H677P.
Identifiers: ClinVar variation 411468 (VCV000411468.10), dbSNP rs1060503322, ClinGen allele CA16026379.
Genomic context (GRCh38, chr5:112,837,897, plus strand): 5'-GCTTGCCATCTCTTCATGTTAGGAAACAAAAAGCCCTAGAAGCAGAATTAGATGCTCAGC[A>C]CTTATCAGAAACTTTTGACAATATAGACAATTTAAGTCCCAAGGCATCTCATCGTAGTAA-3'
Protein context (NP_000029.2, residues 758-778): KALEAELDAQ[His768Pro]LSETFDNIDN

ClinVar aggregate classification (germline): Uncertain significance (1 of 4 stars; one submission).

Conditions:
Familial adenomatous polyposis 1 (FAP1). Also called: FAMILIAL ADENOMATOUS POLYPOSIS 1, ATTENUATED; POLYPOSIS, ADENOMATOUS INTESTINAL. Identifiers: MedGen C2713442, MONDO:0021056, OMIM 175100. Disease mechanism: loss of function.

Submission:

Labcorp Genetics (formerly Invitae), Labcorp
Classification: Uncertain significance for Familial adenomatous polyposis 1. Last evaluated: 2022-05-05. Review status: criteria provided, single submitter. Criteria: Invitae Variant Classification Sherloc (09022015). Collection method: clinical testing. Allele origin: germline.
Comment: This sequence change replaces histidine, which is basic and polar, with proline, which is neutral and non-polar, at codon 768 of the APC protein (p.His768Pro). This variant is not present in population databases (gnomAD no frequency). In summary, the available evidence is currently insufficient to determine the role of this variant in disease. Therefore, it has been classified as a Variant of Uncertain Significance. Algorithms developed to predict the effect of missense changes on protein structure and function are either unavailable or do not agree on the potential impact of this missense change (SIFT: "Deleterious"; PolyPhen-2: "Probably Damaging"; Align-GVGD: "Class C0"). ClinVar contains an entry for this variant (Variation ID: 411468). This variant has not been reported in the literature in individuals affected with APC-related conditions.